The following is an entry in ClinVar:

ClinVar aggregate classification (germline): Conflicting classifications of pathogenicity. Review status: criteria provided, conflicting classifications (1 of 4 stars). 3 submissions from 3 submitters: Uncertain significance (1); Likely benign (1). 1 of the submissions does not count toward it. Last evaluated 2026-06-04.

Conditions:
Hereditary cancer-predisposing syndrome. Also called: Neoplastic Syndromes, Hereditary; Hereditary neoplastic syndrome; Tumor predisposition; Hereditary Cancer Syndrome. Identifiers: Orphanet 140162, MedGen C0027672, MeSH D009386, MONDO:0015356.
Familial cancer of breast. Also called: Hereditary breast cancer; hereditary breast carcinoma; BREAST CANCER, FAMILIAL. Identifiers: Orphanet 227535, MedGen C0346153, MONDO:0016419, OMIM 114480. Disease mechanism: loss of function.

Submissions (3):

Ambry Genetics
Classification: Uncertain significance for Hereditary cancer-predisposing syndrome. Last evaluated: 2026-06-04. Review status: criteria provided, single submitter. Criteria: Ambry Variant Classification Scheme 2023. Collection method: clinical testing. Allele origin: germline.
Comment: The p.T582A variant (also known as c.1744A>G), located in coding exon 9 of the BRCA1 gene, results from an A to G substitution at nucleotide position 1744. The threonine at codon 582 is replaced by alanine, an amino acid with similar properties. This amino acid position is not well conserved in available vertebrate species. In addition, the in silico prediction for this alteration is inconclusive. Based on the available evidence, the clinical significance of this variant remains unclear.

University of Washington Department of Laboratory Medicine, University of Washington
Classification: Likely benign for Hereditary cancer-predisposing syndrome. Last evaluated: 2023-03-23. Review status: criteria provided, single submitter. Criteria: Dines et al. (Genet Med. 2020). Collection method: curation. Allele origin: germline.
Comment: Missense variant in a coldspot region where missense variants are very unlikely to be pathogenic (PMID:31911673).

BRCA1 coldspot (exon 11 using historical exon numbering). Reclassification based on statistical prior probability

ClinVar Staff, National Center for Biotechnology Information (NCBI)
No classification provided. Condition: Familial cancer of breast. Review status: no classification provided. Collection method: literature only. Allele origin: germline. Affected: yes. Not counted in ClinVar's aggregate classification.

Literature cited by the submitters: PubMed 12872263 (cited by ClinVar Staff, National Center for Biotechnology Information (NCBI)).

NM_007294.4(BRCA1):c.1744A>G (p.Thr582Ala)

Gene: BRCA1 (BRCA1 DNA repair associated; minus strand). Cytogenetic location: 17q21.31.
Variant type: single nucleotide variant.
Coding change: c.1744A>G on transcript NM_007294.4 (MANE Select); coding-DNA position 1744, A replaced by G.
Protein change: p.Thr582Ala; replaces threonine 582 with alanine.
Molecular consequence: missense variant. On other transcripts: intron variant (137).
Genome position (GRCh38, 1-based): chr17:43,093,787, T>C on the plus strand (A>G on the coding strand, the complement: BRCA1 is on the minus strand). VCF-style: chr17-43093787-T-C. GRCh37 (hg19) VCF-style: chr17-41245804-T-C.
Other names: c.709+957A>G (NM_001408411.1, NM_001408412.1, NM_001408409.1 and 2 more transcripts); c.646+957A>G (NM_001408410.1, NM_001408458.1, NM_001408469.1 and 11 more transcripts); c.1531A>G, p.Thr511Ala (NM_001407571.1, NM_001407898.1, NM_001407899.1 and 9 more transcripts); c.1744A>G, p.Thr582Ala (NM_001407581.1, NM_001407582.1, NM_001407583.1 and 30 more transcripts); c.1741A>G, p.Thr581Ala (NM_001407587.1, NM_001407590.1, NM_001407591.1 and 22 more transcripts); c.1735A>G, p.Thr579Ala (NM_001407647.1, NM_001407646.1); c.1621A>G, p.Thr541Ala (NM_001407648.1, NM_001407668.1, NM_001407669.1 and 19 more transcripts); c.1618A>G, p.Thr540Ala (NM_001407649.1, NM_001407670.1, NM_001407671.1 and 11 more transcripts); and 40 more; short protein forms T582A, T535A, T286A, T455A, T514A, T555A, T579A, T454A.
Identifiers: ClinVar variation 54340 (VCV000054340.5), dbSNP rs397508906, ClinGen allele CA001141.